The following is an entry in ClinVar:

NM_000128.4(F11):c.1107C>A (p.Tyr369Ter)

Gene: F11 (coagulation factor XI; plus strand). Cytogenetic location: 4q35.2.
Variant type: single nucleotide variant.
Coding change: c.1107C>A on transcript NM_000128.4 (MANE Select); coding-DNA position 1107, C replaced by A.
Protein change: p.Tyr369Ter; replaces tyrosine 369 with a stop codon.
Molecular consequence: nonsense.
Genome position (GRCh38, 1-based): chr4:186,280,552, C>A. VCF-style: chr4-186280552-C-A. GRCh37 (hg19) VCF-style: chr4-187201706-C-A.
Other names: short protein forms Y369*.
Identifiers: ClinVar variation 189115 (VCV000189115.16), dbSNP rs773905328, ClinGen allele CA199121.

ClinVar aggregate classification (germline): Pathogenic. Review status: criteria provided, multiple submitters, no conflicts (2 of 4 stars). 6 submissions from 6 submitters: Pathogenic (5). 1 of the submissions does not count toward it. Last evaluated 2025-08-21.

Conditions:
Plasma factor XI deficiency.
Hereditary factor XI deficiency disease. Also called: PLASMA THROMBOPLASTIN ANTECEDENT DEFICIENCY; PTA DEFICIENCY; ROSENTHAL SYNDROME; Congenital factor XI deficiency. Identifiers: Orphanet 329, MedGen C0015523, MeSH D005173, MONDO:0012897, OMIM 612416.

Allele frequency attached by ClinVar (database versions not stated): ExAC 0.00002; TOPMed 0.00002; gnomAD 0.00003.
gnomAD v4.1: 8 of 1,613,760 alleles (0.0005%); highest among the groups gnomAD compares: East Asian, 0.018%; no homozygotes.

Submissions (6):

Natera, Inc.
Classification: Pathogenic for Plasma factor XI deficiency. Last evaluated: 2025-08-21. Review status: criteria provided, single submitter. Criteria: Natera Variant Classification Schema (03/2026). Collection method: clinical testing. Allele origin: germline.
Comment: The c.1107C>A variant in F11 is a nonsense variant predicted to introduce a stop codon at amino acid 369. This variant is expected to result in nonsense mediated decay, truncation, or a dysfunctional protein product. This variant is rare in the general population with a frequency below the threshold expected for the associated phenotype(s). This variant has been observed in one or more individuals affected with the associated recessive disease, as either homozygous or compound heterozygous with a second variant (PMID: 25681615, 32464451). Given the available evidence, this variant is classified as Pathogenic.

Labcorp Genetics (formerly Invitae), Labcorp
Classification: Pathogenic. Last evaluated: 2025-08-13. Review status: criteria provided, single submitter. Criteria: Invitae Variant Classification Sherloc (09022015). Collection method: clinical testing. Allele origin: germline.
Comment: This sequence change creates a premature translational stop signal (p.Tyr369*) in the F11 gene. It is expected to result in an absent or disrupted protein product. Loss-of-function variants in F11 are known to be pathogenic (PMID: 23929304). This variant is present in population databases (rs773905328, gnomAD 0.04%). This premature translational stop signal has been observed in individual(s) with clinical features of autosomal recessive factor XI deficiency (PMID: 14508802, 25681615, 32220196). This variant is also known as Tyr351-->Term and p.Tyr351X. ClinVar contains an entry for this variant (Variation ID: 189115). Algorithms developed to predict the effect of sequence changes on RNA splicing suggest that this variant may disrupt the consensus splice site. For these reasons, this variant has been classified as Pathogenic.

Victorian Clinical Genetics Services, Murdoch Childrens Research Institute
Classification: Pathogenic for Hereditary factor XI deficiency disease. Last evaluated: 2022-06-24. Review status: criteria provided, single submitter. Criteria: ACMG Guidelines, 2015. Collection method: clinical testing. Allele origin: germline. Inheritance: Autosomal recessive inheritance. Affected: no.
Comment: Based on the classification scheme VCGS_Germline_v1.3.4, this variant is classified as Pathogenic. Following criteria are met: 0103 - Dominant negative and loss of function are known mechanisms of disease in this gene and are associated with factor XI deficiency. Dominant missense variants have been shown to have a dominant negative disease mechanism (PMID:15026311), whilst loss of function variants are generally recessive, though symptomatic carriers have been reported (OMIM). (I) 0108 - This gene is associated with both recessive and dominant disease. Individuals with biallelic variants generally have a more severe phenotype. Heterozygous individuals may be asymptomatic despite having FXI deficiency (PMID:18446632). (I) 0115 - Variants in this gene are known to have variable expressivity. There is a high degree of variable expression, with intrafamilial variation reported (PMID: 32118380). (I) 0201 - Variant is predicted to cause nonsense-mediated decay (NMD) and loss of protein (premature termination codon is located at least 54 nucleotides upstream of the final exon-exon junction). (SP) 0251 - This variant is heterozygous. (I) 0304 - Variant is present in gnomAD (v2) <0.001 for a condition (10 heterozygotes, 0 homozygotes). (SP) 0701 - Other NMD predicted variants comparable to the one identified in this case have very strong previous evidence for pathogenicity (ClinVar). (SP) 0801 - This variant has strong previous evidence of pathogenicity in unrelated individuals. This variant has been reported in multiple homozygous and compound heterozygous individuals with Factor XI deficiency including two unaffected homozygous probands (ClinVar, PMID: 14508802, 25681615, 27067486, 32464451, 32333264, 34799507). Among those, two unaffected heterozygous daughters of an affected proband also demonstrated reduced F11 activity (PMID: 14508802). (I) Legend: (SP) - Supporting pathogenic, (I) - Information, (SB) - Supporting benign

Fulgent Genetics
Classification: Pathogenic for Hereditary factor XI deficiency disease. Last evaluated: 2022-05-12. Review status: criteria provided, single submitter. Criteria: ACMG Guidelines, 2015. Collection method: clinical testing. Allele origin: unknown.

Juno Genomics, Hangzhou Juno Genomics, Inc
Classification: Pathogenic for Hereditary factor XI deficiency disease. Review status: criteria provided, single submitter. Criteria: ACMG Guidelines, 2015. Collection method: clinical testing. Allele origin: germline.
Comment: Absent from controls (or at extremely low frequency if recessive) in Genome Aggregation Database.;Null variant in a gene where loss of function (LOF) is a known mechanism of disease.;For recessive disorders, detected in trans with a pathogenic variant.

Counsyl
Classification: Likely pathogenic for Hereditary factor XI deficiency disease. Last evaluated: 2015-01-06. Review status: no assertion criteria provided. Collection method: literature only. Allele origin: unknown. Inheritance: Autosomal recessive inheritance. Not counted in ClinVar's aggregate classification.

Literature cited by the submitters: PubMed 25681615 (cited by 3 submitters); PubMed 32464451 (cited by Natera, Inc. and Victorian Clinical Genetics Services, Murdoch Childrens Research Institute); PubMed 23929304 (cited by Labcorp Genetics (formerly Invitae), Labcorp); PubMed 14508802 (cited by 3 submitters); PubMed 32220196 (cited by Labcorp Genetics (formerly Invitae), Labcorp); PubMed 15026311 (cited by Victorian Clinical Genetics Services, Murdoch Childrens Research Institute); PubMed 18446632 (cited by Victorian Clinical Genetics Services, Murdoch Childrens Research Institute); PubMed 27067486 (cited by Victorian Clinical Genetics Services, Murdoch Childrens Research Institute); PubMed 32118380 (cited by Victorian Clinical Genetics Services, Murdoch Childrens Research Institute); PubMed 32333264 (cited by Victorian Clinical Genetics Services, Murdoch Childrens Research Institute); PubMed 34799507 (cited by Victorian Clinical Genetics Services, Murdoch Childrens Research Institute).